The following is an entry in ClinVar:

NM_182746.3(MCM4):c.526C>T (p.Pro176Ser)

Gene: MCM4 (minichromosome maintenance complex component 4; plus strand). Cytogenetic location: 8q11.21.
Variant type: single nucleotide variant.
Coding change: c.526C>T on transcript NM_182746.3 (MANE Select); coding-DNA position 526, C replaced by T.
Protein change: p.Pro176Ser; replaces proline 176 with serine.
Molecular consequence: missense variant.
Genome position (GRCh38, 1-based): chr8:47,962,788, C>T. VCF-style: chr8-47962788-C-T. GRCh37 (hg19) VCF-style: chr8-48875348-C-T.
Other names: c.526C>T, p.Pro176Ser (NM_005914.4); short protein forms P176S.
Identifiers: ClinVar variation 1486190 (VCV001486190.6), dbSNP rs187841020, ClinGen allele CA4742329.

ClinVar aggregate classification (germline): Uncertain significance (1 of 4 stars; one submission).

Allele frequency attached by ClinVar (database versions not stated): gnomAD 0.00010 and 0.00011; ESP Exome Variant Server 0.00023; 1000 Genomes Project 30x 0.00047; 1000 Genomes Project 0.00060.

Submission:

Labcorp Genetics (formerly Invitae), Labcorp
Classification: Uncertain significance. Last evaluated: 2024-05-27. Review status: criteria provided, single submitter. Criteria: Invitae Variant Classification Sherloc (09022015). Collection method: clinical testing. Allele origin: germline.
Comment: This sequence change replaces proline, which is neutral and non-polar, with serine, which is neutral and polar, at codon 176 of the MCM4 protein (p.Pro176Ser). This variant is present in population databases (rs187841020, gnomAD 0.06%). This variant has not been reported in the literature in individuals affected with MCM4-related conditions. ClinVar contains an entry for this variant (Variation ID: 1486190). Advanced modeling of protein sequence and biophysical properties (such as structural, functional, and spatial information, amino acid conservation, physicochemical variation, residue mobility, and thermodynamic stability) performed at Invitae indicates that this missense variant is not expected to disrupt MCM4 protein function with a negative predictive value of 80%. In summary, the available evidence is currently insufficient to determine the role of this variant in disease. Therefore, it has been classified as a Variant of Uncertain Significance.